The following continues an entry in ClinVar:

NM_000256.3(MYBPC3):c.2432AGA[3] (p.Lys814del)

Gene: MYBPC3. ClinVar aggregate classification (germline): Conflicting classifications of pathogenicity. Likely pathogenic (2); Uncertain significance (15).

Submissions 13 to 20 of 20:

Laboratory for Molecular Medicine, Mass General Brigham Personalized Medicine
Classification: Uncertain significance. Last evaluated: 2023-01-09. Review status: criteria provided, single submitter. Criteria: ACMG Guidelines, 2015. Collection method: clinical testing. Allele origin: germline.
Comment: The p.Lys814del variant in MYBPC3 has been identified in at least 20 individuals with HCM and segregated with disease in 2 affected relatives from 2 families. It has also been identified in 1 individual with DCM (Jääskeläinen 2002 PMID: 12110947, Van Driest 2004 PMID: 15519027, Andersen 2004 PMID: 15114369, Cardim 2005 PMID: 16566405, Song 2005 PMID: 15563892, Zeller 2006 PMID: 16715312, Bahrudin 2008 PMID: 18929575, Ehlermann 2008 PMID: 18957093, Marsiglia 2013 PMID: 24093860, Berge 2014 PMID: 24111713, Akinrinade 2015 PMID: 26084686, Rupp 2019 PMID: 30105547, Marschall 2019 PMID: 31737537, Micheu 2020 PMID: 33297573, Robyns 2020 PMID: 31513939, Kim 2020 PMID: 32492895, LMM data). This variant has also been reported by other clinical laboratories in ClinVar (Variation ID #177700) and has been identified in 0.016% (4/24882) of Finnish chromosomes by gnomAD (v.3.1.2) and. This variant is a deletion of 1 lysine (Lys) residue at position 814 from a stretch of 4 lysines. It is unclear if this deletion will impact protein function. An in vitro study did not demonstrate an impact on protein function (Bahurdin 2008 PMID: 18929575). In summary, the clinical significance of the p.Lys814del variant is uncertain. ACMG/AMP Criteria applied: PS4_supporting, BS3_Supporting.

Clinical Genetics Laboratory, Skane University Hospital Lund
Classification: Uncertain significance. Last evaluated: 2022-05-27. Review status: criteria provided, single submitter. Criteria: ACMG Guidelines, 2015. Collection method: clinical testing. Allele origin: germline. Affected: yes.

CHEO Genetics Diagnostic Laboratory, Children's Hospital of Eastern Ontario
Classification: Uncertain significance for Cardiomyopathy. Last evaluated: 2021-06-01. Review status: criteria provided, single submitter. Criteria: ACMG Guidelines, 2015. Collection method: clinical testing. Allele origin: germline.

Centre for Mendelian Genomics, University Medical Centre Ljubljana
Classification: Uncertain significance for Hypertrophic cardiomyopathy 4. Last evaluated: 2019-02-14. Review status: criteria provided, single submitter. Criteria: ACMG Guidelines, 2015. Collection method: clinical testing. Allele origin: unknown. Affected: yes.
Comment: This variant was classified as: Uncertain significance. The available evidence favors the pathogenic nature of this variant, however the currently available data is insufficient to conclusively support its pathogenic nature. Thus this variant is classified as Uncertain significance - favor pathogenic. The following ACMG criteria were applied in classifying this variant: PM1,PM4.

Juno Genomics, Hangzhou Juno Genomics, Inc
Classification: Likely pathogenic for Hypertrophic cardiomyopathy 4. Review status: criteria provided, single submitter. Criteria: ACMG Guidelines, 2015. Collection method: clinical testing. Allele origin: germline. Affected: yes.
Comment: Absent from controls (or at extremely low frequency if recessive) in Genome Aggregation Database, Exome Sequencing Project, 1000 Genomes Project, or Exome Aggregation Consortium.;Protein length changes due to in-frame deletions/insertions in a non-repeat region or stop-loss variants.;The prevalence of the variant in affected individuals is significantly increased compared to the prevalence in controls.;Patient's phenotype or family history is highly specific for a disease with a single genetic etiology.

Cardiology unit, Meyer University Hospital
Classification: Likely pathogenic for Hypertrophic cardiomyopathy 4. Last evaluated: 2022-09-27. Review status: no assertion criteria provided. Collection method: clinical testing. Allele origin: germline. Inheritance: Autosomal dominant inheritance. Affected: yes. Not counted in ClinVar's aggregate classification.
Comment: The c.2441_2443del in MYBPC3 is an inframe deletion that has been reported in multiple patients with Hypertrophic Cardiomyopathy (Jaaskelainen et al J Mol Med (Berl) 2002; Kim et al J Clin Med 2020; Bagnall et al Circ Genom Precis Med 2022; Field et al J Med Genet 2022). The variant has been reported in GnomAD with an extremely low frequency (MAF 0.006%) but metrics indicate poor data quality. It is located in a well established functional domain or exonic hotspot, where pathogenic variants have frequently reported. The c.2441_2443del co-segregates with Hypertrophic Cardiomyopathy for three meiosis (internal laboratory data). ClinVar and HGMD Professional databases contains an entry for this variation (Variation ID 177700 and CD021840). Even if one study has shown that this variant does not substantially affect MYBPC3 stability (Bahrudin U et al J Mol Biol 2008), these results are insufficient to demonstrated the normal function of the protein. In conclusion, according to the recommendation of ACMG/AMP guideline, the c.2441_2443del is classified as likely pathogenic (PM4_M; PM1_M; PM2_S; PP1_S)

Center for Human Genetics, University of Leuven
Classification: Likely pathogenic for Hypertrophic cardiomyopathy. Last evaluated: 2018-10-31. Review status: flagged submission. Criteria: ACMG Guidelines, 2015. Collection method: clinical testing. Allele origin: germline. Affected: yes. Not counted in ClinVar's aggregate classification.
ClinVar note: Reason: Outlier claim with insufficient supporting evidence

Laboratory of Genetics and Molecular Cardiology, University of São Paulo
Classification: Likely pathogenic for Hypertrophic cardiomyopathy 4. Review status: flagged submission. Criteria: LGCM Criteria August 2015. Collection method: clinical testing. Allele origin: germline. Inheritance: Autosomal dominant inheritance. Affected: yes. Observed: 1 variant allele. Study: Sarcomeric Human Cardiomyopathy Registry (ShaRe). Not counted in ClinVar's aggregate classification.
ClinVar note: Reason: Outlier claim with insufficient supporting evidence

Literature cited by the submitters: PubMed 12110947 (cited by 5 submitters); PubMed 15519027 (cited by 5 submitters); PubMed 15563892 (cited by 4 submitters); PubMed 16566405 (cited by 4 submitters); PubMed 16715312 (cited by 4 submitters); PubMed 18929575 (cited by 7 submitters); PubMed 18957093 (cited by 4 submitters); PubMed 23674513 (cited by 5 submitters); PubMed 24093860 (cited by 4 submitters); PubMed 24111713 (cited by 5 submitters); PubMed 26084686 (cited by 6 submitters); PubMed 30105547 (cited by 3 submitters); PubMed 31513939 (cited by 4 submitters); PubMed 31737537 (cited by Labcorp Genetics (formerly Invitae), Labcorp and Ambry Genetics); PubMed 33297573 (cited by 3 submitters); PubMed 33407484 (cited by Labcorp Genetics (formerly Invitae), Labcorp and Color Diagnostics, LLC DBA Color Health); PubMed 35208637 (cited by Labcorp Genetics (formerly Invitae), Labcorp and Color Diagnostics, LLC DBA Color Health); PubMed 38456273 (cited by Labcorp Genetics (formerly Invitae), Labcorp); PubMed 23711808 (cited by Color Diagnostics, LLC DBA Color Health); PubMed 26688388 (cited by Color Diagnostics, LLC DBA Color Health and Ambry Genetics); PubMed 36588553 (cited by Color Diagnostics, LLC DBA Color Health); PubMed 38002985 (cited by Color Diagnostics, LLC DBA Color Health); PubMed 15000344 (cited by Ambry Genetics); PubMed 18533079 (cited by Ambry Genetics); PubMed 20800588 (cited by Ambry Genetics and Laboratory for Molecular Medicine, Mass General Brigham Personalized Medicine); PubMed 21499742 (cited by Ambry Genetics); PubMed 23054336 (cited by Ambry Genetics and Women's Health and Genetics/Laboratory Corporation of America, LabCorp); PubMed 24721642 (cited by Ambry Genetics); PubMed 24888384 (cited by Ambry Genetics and Women's Health and Genetics/Laboratory Corporation of America, LabCorp); PubMed 25499402 (cited by Ambry Genetics); PubMed 28518168 (cited by Ambry Genetics and Laboratory for Molecular Medicine, Mass General Brigham Personalized Medicine); PubMed 28771489 (cited by Ambry Genetics); PubMed 32492895 (cited by Ambry Genetics and Victorian Clinical Genetics Services, Murdoch Childrens Research Institute); PubMed 34400558 (cited by Ambry Genetics and Women's Health and Genetics/Laboratory Corporation of America, LabCorp); PubMed 37431535 (cited by Ambry Genetics); PubMed 15114369 (cited by Women's Health and Genetics/Laboratory Corporation of America, LabCorp and Laboratory for Molecular Medicine, Mass General Brigham Personalized Medicine); PubMed 32380161 (cited by Women's Health and Genetics/Laboratory Corporation of America, LabCorp); PubMed 35653365 (cited by Women's Health and Genetics/Laboratory Corporation of America, LabCorp); PubMed 32841044 (cited by Victorian Clinical Genetics Services, Murdoch Childrens Research Institute).